The following is an entry in ClinVar:

ClinVar aggregate classification (germline): Conflicting classifications of pathogenicity. Review status: criteria provided, conflicting classifications (1 of 4 stars). 4 submissions from 4 submitters: Uncertain significance (2); Likely benign (2). Last evaluated 2026-04-27.

Conditions:
SH3TC2-related disorder. Also called: SH3TC2-related condition; SH3TC2-related disorders. Identifiers: MedGen CN239303.
Inborn genetic diseases. Identifiers: MedGen C0950123, MeSH D030342.
Charcot-Marie-Tooth disease type 4. Also called: Charcot-Marie-Tooth, Type 4; Charcot-Marie-Tooth disease, type IV. Identifiers: Orphanet 64749, MedGen C4082197, MONDO:0018995.

Allele frequency attached by ClinVar (database versions not stated): TOPMed 0.00007; gnomAD 0.00010; 1000 Genomes Project 0.00020; 1000 Genomes Project 30x 0.00031.
gnomAD v4.1: 130 of 1,614,104 alleles (0.0081%); highest among the groups gnomAD compares: South Asian, 0.091%; 1 homozygote.

Submissions (4):

PreventionGenetics, part of Exact Sciences
Classification: Uncertain significance for SH3TC2-related condition. Last evaluated: 2026-04-27. Review status: criteria provided, single submitter. Criteria: ACMG Guidelines, 2015. Collection method: clinical testing. Allele origin: germline.
Comment: The SH3TC2 c.1106G>A variant is predicted to result in the amino acid substitution p.Arg369His. To our knowledge, this variant has not been reported in the literature. This variant is reported in 0.11% of alleles in individuals of South Asian descent in gnomAD. Although we suspect that this variant may be benign, at this time, the clinical significance of this variant is uncertain due to the absence of conclusive functional and genetic evidence.

Labcorp Genetics (formerly Invitae), Labcorp
Classification: Likely benign for Charcot-Marie-Tooth disease type 4. Last evaluated: 2025-03-05. Review status: criteria provided, single submitter. Criteria: Invitae Variant Classification Sherloc (09022015). Collection method: clinical testing. Allele origin: germline.

Ambry Genetics
Classification: Likely benign for Inborn genetic diseases. Last evaluated: 2024-06-03. Review status: criteria provided, single submitter. Criteria: Ambry Variant Classification Scheme 2023. Collection method: clinical testing. Allele origin: germline.

Athena Diagnostics
Classification: Uncertain significance. Last evaluated: 2024-02-13. Review status: criteria provided, single submitter. Criteria: Athena Diagnostics Criteria. Collection method: clinical testing. Allele origin: unknown.
Comment: Available data are insufficient to determine the clinical significance of the variant at this time. The frequency of this variant in the general population is uninformative in assessment of its pathogenicity. Computational tools predict that this variant is not damaging.

NM_024577.4(SH3TC2):c.1106G>A (p.Arg369His)

Gene: SH3TC2 (SH3 domain and tetratricopeptide repeats 2; minus strand). Cytogenetic location: 5q32.
Variant type: single nucleotide variant.
Coding change: c.1106G>A on transcript NM_024577.4 (MANE Select); coding-DNA position 1106, G replaced by A.
Protein change: p.Arg369His; replaces arginine 369 with histidine.
Molecular consequence: missense variant.
Genome position (GRCh38, 1-based): chr5:149,031,583, C>T on the plus strand (G>A on the coding strand, the complement: SH3TC2 is on the minus strand). VCF-style: chr5-149031583-C-T. GRCh37 (hg19) VCF-style: chr5-148411146-C-T.
Other names: short protein forms R369H.
Identifiers: ClinVar variation 651679 (VCV000651679.15), dbSNP rs551803988, ClinGen allele CA3499290.